The following is an entry in ClinVar:

NM_001042492.3(NF1):c.2889A>G (p.Gln963=)

Gene: NF1 (neurofibromin 1; plus strand). Cytogenetic location: 17q11.2.
Variant type: single nucleotide variant.
Coding change: c.2889A>G on transcript NM_001042492.3 (MANE Select); coding-DNA position 2889, A replaced by G.
Protein change: p.Gln963=; no amino-acid change (glutamine 963 retained).
Molecular consequence: synonymous variant.
Genome position (GRCh38, 1-based): chr17:31,229,873, A>G. VCF-style: chr17-31229873-A-G. GRCh37 (hg19) VCF-style: chr17-29556891-A-G.
Other names: c.2889A>G, p.Gln963= (NM_000267.4).
Identifiers: ClinVar variation 561905 (VCV000561905.1), dbSNP rs1567849526, ClinGen allele CA499229958.

ClinVar aggregate classification (germline): Likely benign (1 of 4 stars; one submission).

Allele frequency attached by ClinVar (database versions not stated): gnomAD exomes below 0.00001.
gnomAD v4.1: 1 of 1,611,868 alleles (0.000062%); highest among the groups gnomAD compares: Non-Finnish European, 0.000085%; no homozygotes.

Submission:

GeneDx
Classification: Likely benign. Last evaluated: 2018-06-15. Review status: criteria provided, single submitter. Criteria: GeneDx Variant Classification (06012015). Collection method: clinical testing. Allele origin: germline. Affected: yes.
Comment: This variant is considered likely benign or benign based on one or more of the following criteria: it is a conservative change, it occurs at a poorly conserved position in the protein, it is predicted to be benign by multiple in silico algorithms, and/or has population frequency not consistent with disease.